The following is an entry in ClinVar:

NM_199352.6(SLC22A25):c.1608T>C (p.Asn536=)

Gene: SLC22A25 (solute carrier family 22 member 25; minus strand). Cytogenetic location: 11q12.3.
Variant type: single nucleotide variant.
Coding change: c.1608T>C on transcript NM_199352.6 (MANE Select); coding-DNA position 1608, T replaced by C.
Protein change: p.Asn536=; no amino-acid change (asparagine 536 retained).
Molecular consequence: synonymous variant.
Genome position (GRCh38, 1-based): chr11:63,163,860, A>G on the plus strand (T>C on the coding strand, the complement: SLC22A25 is on the minus strand). VCF-style: chr11-63163860-A-G. GRCh37 (hg19) VCF-style: chr11-62931332-A-G.
Identifiers: ClinVar variation 4533878 (VCV004533878.6).

ClinVar aggregate classification (germline): Likely benign (1 of 4 stars; one submission).

gnomAD v4.1: 147 of 1,613,712 alleles (0.0091%); highest among the groups gnomAD compares: Admixed American, 0.018%; no homozygotes.

Submission:

CeGaT Center for Human Genetics Tuebingen
Classification: Likely benign. Last evaluated: 2025-10-01. Review status: criteria provided, single submitter. Criteria: CeGaT Center For Human Genetics Tuebingen Variant Classification Criteria Version 2. Collection method: clinical testing. Allele origin: germline. Affected: yes. Observed: 1 variant allele.
Comment: SLC22A25: BP4, BP7